The following is an entry in ClinVar:

NM_004380.3(CREBBP):c.4078C>T (p.Arg1360Ter)

Gene: CREBBP (CREB binding lysine acetyltransferase; minus strand). Cytogenetic location: 16p13.3.
Variant type: single nucleotide variant.
Coding change: c.4078C>T on transcript NM_004380.3 (MANE Select); coding-DNA position 4078, C replaced by T.
Protein change: p.Arg1360Ter; replaces arginine 1360 with a stop codon.
Molecular consequence: nonsense.
Genome position (GRCh38, 1-based): chr16:3,740,454, G>A on the plus strand (C>T on the coding strand, the complement: CREBBP is on the minus strand). VCF-style: chr16-3740454-G-A. GRCh37 (hg19) VCF-style: chr16-3790455-G-A.
Other names: c.3964C>T, p.Arg1322Ter (NM_001079846.1); short protein forms R1360*, R1322*.
Identifiers: ClinVar variation 158368 (VCV000158368.8), dbSNP rs587783490, ClinGen allele CA271405.

ClinVar aggregate classification (germline): Pathogenic. Review status: criteria provided, multiple submitters, no conflicts (2 of 4 stars). 3 submissions from 3 submitters: Pathogenic (2). 1 of the submissions does not count toward it. Last evaluated 2022-05-31.

Conditions:
Rubinstein-Taybi syndrome due to CREBBP mutations (RSTS1). Also called: RUBINSTEIN-TAYBI SYNDROME 1, INCOMPLETE; BROAD THUMB-HALLUX SYNDROME; BROAD THUMBS AND GREAT TOES, CHARACTERISTIC FACIES, AND IMPAIRED INTELLECTUAL DEVELOPMENT; RUBINSTEIN SYNDROME; Rubinstein-Taybi syndrome 1; CREBBP-Related Rubinstein-Taybi Syndrome. Identifiers: Orphanet 353277, Orphanet 783, MedGen C4551859, MONDO:0008393, OMIM 180849.

Submissions (3):

GeneDx
Classification: Pathogenic. Last evaluated: 2022-05-31. Review status: criteria provided, single submitter. Criteria: GeneDx Variant Classification Process June 2021. Collection method: clinical testing. Allele origin: germline. Affected: yes.
Comment: Reported in the published literature in association with Rubinstein-Taybi syndrome (Wincent et al., 2016; Cross et al., 2020); Not observed at significant frequency in large population cohorts (gnomAD); Nonsense variant predicted to result in protein truncation or nonsense mediated decay in a gene for which loss of function is a known mechanism of disease; This variant is associated with the following publications: (PMID: 25525159, 19533794, 32827181, 26788536)

Genetic Services Laboratory, University of Chicago
Classification: Pathogenic for Rubinstein-Taybi syndrome. Last evaluated: 2013-02-08. Review status: criteria provided, single submitter. Criteria: ACMG Guidelines, 2007. Collection method: clinical testing. Allele origin: germline. Inheritance: Autosomal dominant inheritance. Affected: yes.

Wessex Regional Genetics Laboratory, Salisbury District Hospital
Classification: Pathogenic for Rubinstein-Taybi syndrome due to CREBBP mutations. Last evaluated: 2019-11-05. Review status: no assertion criteria provided. Criteria: ACMG Guidelines, 2015. Collection method: clinical testing. Allele origin: unknown. Inheritance: Autosomal dominant inheritance. Affected: yes. Not counted in ClinVar's aggregate classification.